The following is an entry in ClinVar:

ClinVar aggregate classification (germline): Uncertain significance (1 of 4 stars; one submission).

Conditions:
Primary ciliary dyskinesia. Also called: Ciliary dyskinesia. Identifiers: Orphanet 244, MedGen C0008780, MONDO:0016575, HP:0012265.

Submission:

Labcorp Genetics (formerly Invitae), Labcorp
Classification: Uncertain significance for Primary ciliary dyskinesia. Last evaluated: 2023-07-14. Review status: criteria provided, single submitter. Criteria: Invitae Variant Classification Sherloc (09022015). Collection method: clinical testing. Allele origin: germline.
Comment: In summary, the available evidence is currently insufficient to determine the role of this variant in disease. Therefore, it has been classified as a Variant of Uncertain Significance. Advanced modeling of protein sequence and biophysical properties (such as structural, functional, and spatial information, amino acid conservation, physicochemical variation, residue mobility, and thermodynamic stability) performed at Invitae indicates that this missense variant is expected to disrupt CCDC40 protein function. This variant has not been reported in the literature in individuals affected with CCDC40-related conditions. This variant is not present in population databases (gnomAD no frequency). This sequence change replaces serine, which is neutral and polar, with proline, which is neutral and non-polar, at codon 742 of the CCDC40 protein (p.Ser742Pro).

NM_017950.4(CCDC40):c.2224T>C (p.Ser742Pro)

Gene: CCDC40 (coiled-coil domain 40 molecular ruler complex subunit; plus strand). Cytogenetic location: 17q25.3.
Variant type: single nucleotide variant.
Coding change: c.2224T>C on transcript NM_017950.4 (MANE Select); coding-DNA position 2224, T replaced by C.
Protein change: p.Ser742Pro; replaces serine 742 with proline.
Molecular consequence: missense variant.
Genome position (GRCh38, 1-based): chr17:80,084,977, T>C. VCF-style: chr17-80084977-T-C. GRCh37 (hg19) VCF-style: chr17-78058776-T-C.
Other names: c.2224T>C, p.Ser742Pro (NM_001243342.2); short protein forms S742P.
Identifiers: ClinVar variation 2876457 (VCV002876457.3), dbSNP rs2038548825, ClinGen allele CA401344288.